The following is an entry in ClinVar:

ClinVar aggregate classification (germline): Uncertain significance (1 of 4 stars; one submission).

Submission:

Labcorp Genetics (formerly Invitae), Labcorp
Classification: Uncertain significance. Last evaluated: 2022-08-22. Review status: criteria provided, single submitter. Criteria: Invitae Variant Classification Sherloc (09022015). Collection method: clinical testing. Allele origin: germline.
Comment: In summary, the available evidence is currently insufficient to determine the role of this variant in disease. Therefore, it has been classified as a Variant of Uncertain Significance. Algorithms developed to predict the effect of missense changes on protein structure and function are either unavailable or do not agree on the potential impact of this missense change (SIFT: "Deleterious"; PolyPhen-2: "Not Available"; Align-GVGD: "Class C0"). This variant has not been reported in the literature in individuals affected with DNA2-related conditions. This variant is not present in population databases (gnomAD no frequency). This sequence change replaces alanine, which is neutral and non-polar, with threonine, which is neutral and polar, at codon 740 of the DNA2 protein (p.Ala740Thr).

NM_001080449.3(DNA2):c.2218G>A (p.Ala740Thr)

Gene: DNA2 (DNA replication helicase/nuclease 2; minus strand). Cytogenetic location: 10q21.3.
Variant type: single nucleotide variant.
Coding change: c.2218G>A on transcript NM_001080449.3 (MANE Select); coding-DNA position 2218, G replaced by A.
Protein change: p.Ala740Thr; replaces alanine 740 with threonine.
Molecular consequence: missense variant. On other transcripts: non-coding transcript variant (1).
Genome position (GRCh38, 1-based): chr10:68,422,881, C>T on the plus strand (G>A on the coding strand, the complement: DNA2 is on the minus strand). VCF-style: chr10-68422881-C-T. GRCh37 (hg19) VCF-style: chr10-70182638-C-T.
Other names: short protein forms A740T.
Identifiers: ClinVar variation 2127729 (VCV002127729.4), dbSNP rs2493904511, ClinGen allele CA376849890.